The following is an entry in ClinVar:

GRCh37/hg19 13q32.3-34(chr13:100334135-110383902)x1

Genes: ABHD13 (abhydrolase domain containing 13; plus strand), ARGLU1 (arginine and glutamate rich 1; minus strand), BIVM (basic, immunoglobulin-like variable motif containing; plus strand), BIVM-ERCC5 (BIVM-ERCC5 readthrough; plus strand), CCDC168 (coiled-coil domain containing 168; minus strand) and 22 more. Cytogenetic location: 13q32.3-34.
Variant type: copy number loss.
Change: copy number 1 (one copy instead of two) of chr13:100,334,135-110,383,902 (10.05 Mb, GRCh37 coordinates, 1-based), cytogenetic band 13q32.3-34.
Identifiers: ClinVar variation 1808473 (VCV001808473.1).

ClinVar aggregate classification (germline): Pathogenic (1 of 4 stars; one submission).

Submission:

Quest Diagnostics Nichols Institute San Juan Capistrano
Classification: Pathogenic. Last evaluated: 2022-02-22. Review status: criteria provided, single submitter. Criteria: ACMG/ClinGen CNV Guidelines, 2019. Collection method: clinical testing. Allele origin: unknown.
Comment: This copy number loss of 13q32.3q34 is expected to cause phenotypic and/or developmental abnormalities. Losses similar to the current deletion have been reported in patients exhibiting a broad spectrum of clinical features of 13q33-q34 deletion syndrome (OMIM 619148) with variable expressivity and incomplete penetrance including developmental delay, intellectual disability, facial dysmorphic features, anorectal/genitourinary and gastrointestinal tract malformations, congenital heart defect, skeletal abnormalities, hearing loss, and coagulation disorders (Gambin 2017, Levy 2018, Quelin 2009). The copy number loss of 13q32.3q34 involves multiple protein-coding genes, including ZIC2 (OMIM 603073), NALCN (OMIM 611549), and FGF14 (OMIM 601515). Haploinsufficiency of ZIC2 is associated with autosomal dominant holoprosencephaly-5 (HPE5) (OMIM 609637). In addition, heterozygous sequence variants of NALCN are associated with congenital contractures of the limbs and face, hypotonia, and developmental delay (CLIFAHDD) (OMIM 616266). Furthermore, heterozygous sequence variants of FGF14 are associated with autosomal dominant spinocerebellar ataxia-27 (SCA27) (OMIM 609307). There are multiple genes in this copy number loss that are associated with autosomal recessive disorders: NALCN, PCCA (OMIM 232000), TPP2 (OMIM 190470), ERCC5 (OMIM 133530), SLC10A2 (OMIM 601295), and LIG4 (OMIM 601837). There are no similar copy number losses of this region in the general populations of the Database of Genomic Variants. Thus, the clinical significance of this copy number variant (CNV) is pathogenic. References: Gambin et al., Genome Med. 2017;9(1):83. PMID: 28934986. Levy et al., Clin Genet. 2018;93(6):1141-1147. PMID: 29508392. Quelin et al., Eur J Med Genet. 2009;52(1):41-6. PMID: 19022413.